The following is an entry in ClinVar:

NC_000017.10:g.(33426810_33427615)_(33434467_33445519)dup

Gene: RAD51D (RAD51 paralog D; minus strand). Cytogenetic location: 17q12.
Variant type: Duplication.
Identifiers: ClinVar variation 1704531 (VCV001704531.1).

ClinVar aggregate classification (germline): Uncertain significance (1 of 4 stars; one submission).

Submission:

Women's Health and Genetics/Laboratory Corporation of America, LabCorp
Classification: Uncertain significance. Last evaluated: 2022-07-11. Review status: criteria provided, single submitter. Criteria: LabCorp Variant Classification Summary - May 2015. Collection method: clinical testing. Allele origin: germline.
Comment: Variant summary: The variant identified by MLPA or other technology involves the duplication of exons 4-10; i.e. involving the last exon in the RAD51D gene. A presumed nomenclature of c.(263+1_264-1)_(*357_*1162)dup has been designated for the purposes of this classification. It has been assumed that this is a tandem duplication in direct orientation (Richardson_GIM_2018, Newman_AJHG_2015). The variant was absent in 21694 control chromosomes in the gnomAD database, structural variants dataset. The available data on variant occurrences in the general population are insufficient to allow any conclusion about variant significance. To our knowledge, no occurrence of c.(263+1_264-1)_(*357_*1162)dup in individuals affected with Hereditary Breast and Ovarian Cancer Syndrome and no experimental evidence demonstrating its impact on protein function have been reported. No clinical diagnostic laboratories have submitted clinical-significance assessments for this variant to ClinVar after 2014. In conclusion, while it may be assumed that duplication variants including a large DNA segment downstream of the stop codon might result in regular transcription- and translation termination with an unaffected protein product, however shorter tandem duplication variants involving the last exon can affect the 3' UTR end of the mRNA, which might be associated with disease. Based on the evidence outlined above, the variant was classified as uncertain significance.